The following is an entry in ClinVar:

NM_005022.4(PFN1):c.360C>T (p.His120=)

Gene: PFN1 (profilin 1; minus strand). Cytogenetic location: 17p13.2.
Variant type: single nucleotide variant.
Coding change: c.360C>T on transcript NM_005022.4 (MANE Select); coding-DNA position 360, C replaced by T.
Protein change: p.His120=; no amino-acid change (histidine 120 retained).
Molecular consequence: synonymous variant. On other transcripts: 3 prime UTR variant (1).
Genome position (GRCh38, 1-based): chr17:4,945,963, G>A on the plus strand (C>T on the coding strand, the complement: PFN1 is on the minus strand). VCF-style: chr17-4945963-G-A. GRCh37 (hg19) VCF-style: chr17-4849258-G-A.
Other names: c.*444C>T (NM_001375991.1); c.360C>T (NM_005022.3).
Identifiers: ClinVar variation 1917232 (VCV001917232.7), dbSNP rs369356618, ClinGen allele CA8315896.

ClinVar aggregate classification (germline): Likely benign. Review status: criteria provided, single submitter (1 of 4 stars). 2 submissions from 2 submitters: Likely benign (1). 1 of the submissions does not count toward it. Last evaluated 2025-03-01.

Conditions:
PFN1-related disorder. Also called: PFN1-related condition.

Allele frequency attached by ClinVar (database versions not stated): ExAC 0.00001; gnomAD exomes 0.00001; ESP Exome Variant Server 0.00008; TOPMed 0.00008; gnomAD 0.00013.
gnomAD v4.1: 38 of 1,613,396 alleles (0.0024%); highest among the groups gnomAD compares: African/African-American, 0.04%; no homozygotes.

Submissions (2):

Labcorp Genetics (formerly Invitae), Labcorp
Classification: Likely benign. Last evaluated: 2025-03-01. Review status: criteria provided, single submitter. Criteria: Invitae Variant Classification Sherloc (09022015). Collection method: clinical testing. Allele origin: germline.

PreventionGenetics, part of Exact Sciences
Classification: Likely benign for PFN1-related condition. Last evaluated: 2023-12-13. Review status: no assertion criteria provided. Collection method: clinical testing. Allele origin: germline. Not counted in ClinVar's aggregate classification.
Comment: This variant is classified as likely benign based on ACMG/AMP sequence variant interpretation guidelines (Richards et al. 2015 PMID: 25741868, with internal and published modifications).